The following is an entry in ClinVar:

ClinVar aggregate classification (germline): Uncertain significance (1 of 4 stars; one submission).

Conditions:
POLD1-related polyposis and colorectal cancer syndrome (CRCS10). Also called: Colorectal cancer 10; COLORECTAL CANCER, SUSCEPTIBILITY TO, ON CHROMOSOME 19q; Colorectal cancer, susceptibility to, 10. Identifiers: Orphanet 220460, MedGen C2675481, MONDO:0012953, OMIM 612591.

Submission:

Labcorp Genetics (formerly Invitae), Labcorp
Classification: Uncertain significance for POLD1-related polyposis and colorectal cancer syndrome. Last evaluated: 2019-08-14. Review status: criteria provided, single submitter. Criteria: Invitae Variant Classification Sherloc (09022015). Collection method: clinical testing. Allele origin: germline.
Comment: Experimental studies and prediction algorithms are not available or were not evaluated for this variant, and the functional significance of this variant is currently unknown. In summary, the available evidence is currently insufficient to determine the role of this variant in disease. Therefore, it has been classified as a Variant of Uncertain Significance. This variant has not been reported in the literature in individuals with POLD1-related conditions. This variant results in a copy number gain of the genomic region encompassing exons 15-27 of the POLD1 gene. The 5' boundary is likely confined to intron 14. The 3' end of this event is unknown as it extends beyond the assayed region for this gene and therefore may encompass additional genes. As the precise location of this event is unknown, it may be in tandem or it may be located elsewhere in the genome.

NC_000019.10:g.(?_50408775)_(50417947_?)dup

Gene: POLD1 (DNA polymerase delta 1, catalytic subunit; plus strand). Cytogenetic location: 19q13.33.
Variant type: Duplication.
Identifiers: ClinVar variation 831823 (VCV000831823.6).